The following is an entry in ClinVar:

ClinVar aggregate classification (germline): Uncertain significance (1 of 4 stars; one submission).

Submission:

Mayo Clinic Laboratories, Mayo Clinic
Classification: Uncertain significance. Last evaluated: 2025-02-02. Review status: criteria provided, single submitter. Criteria: ACMG Guidelines, 2015. Collection method: clinical testing. Allele origin: germline. Observed: 1 variant allele.
Comment: PP3, PM2_supporting

NM_002887.4(RARS1):c.694G>T (p.Val232Leu)

Gene: RARS1 (arginyl-tRNA synthetase 1; plus strand). Cytogenetic location: 5q34.
Variant type: single nucleotide variant.
Coding change: c.694G>T on transcript NM_002887.4 (MANE Select); coding-DNA position 694, G replaced by T.
Protein change: p.Val232Leu; replaces valine 232 with leucine.
Molecular consequence: missense variant.
Genome position (GRCh38, 1-based): chr5:168,495,429, G>T. VCF-style: chr5-168495429-G-T. GRCh37 (hg19) VCF-style: chr5-167922434-G-T.
Other names: p.Val232Leu; short protein forms V232L.
Identifiers: ClinVar variation 4541085 (VCV004541085.1).
Genomic context (GRCh38, chr5:168,495,429, plus strand): 5'-CTGAGGTCAACTATCATAGGAGAGAGTATAAGCCGCCTCTTTGAATTTGCAGGGTATGAC[G>T]TGCTCAGGTATGTGCTCTTGCCTTGCGTACTATTCTCTTTCCTTATTTTCTTGTTTGGAA-3'
Protein context (NP_002878.2, residues 222-242): SRLFEFAGYD[Val232Leu]LRLNHVGDWG